The following is an entry in ClinVar:

NM_144973.4(DENND5B):c.237+3A>G

Gene: DENND5B (DENN domain containing 5B; minus strand). Cytogenetic location: 12p11.21.
Variant type: single nucleotide variant.
Coding change: c.237+3A>G on transcript NM_144973.4 (MANE Select); 3 bases into the intron after coding-DNA position 237, A replaced by G.
Molecular consequence: intron variant.
Genome position (GRCh38, 1-based): chr12:31,495,807, T>C on the plus strand (A>G on the coding strand, the complement: DENND5B is on the minus strand). VCF-style: chr12-31495807-T-C. GRCh37 (hg19) VCF-style: chr12-31648741-T-C.
Other names: c.342+3A>G (NM_001308339.2); c.303+3A>G (NM_001366890.1, NM_001366893.1); c.237+3A>G (NM_001366891.1, NM_001366892.1).
Identifiers: ClinVar variation 4083434 (VCV004083434.1).
Genomic context (GRCh38, chr12:31,495,807, plus strand): 5'-ACCTTCATATTAATAAAGTGAAAACAAGGCTAAAGAGTAAATGAGGGGAAAAAAAACACA[T>C]ACCATGTTCACCGCATCTTGATCAAAAGGGTTCCATTCTATATTCTGAGGATAGTGGGCG-3'

ClinVar aggregate classification (germline): Uncertain significance (1 of 4 stars; one submission).

gnomAD v4.1: 2 of 1,601,118 alleles (0.00012%); highest among the groups gnomAD compares: Non-Finnish European, 0.000085%; no homozygotes.

Submission:

GeneDx
Classification: Uncertain significance. Last evaluated: 2025-03-13. Review status: criteria provided, single submitter. Criteria: GeneDx Variant Classification Process June 2021. Collection method: clinical testing. Allele origin: germline. Affected: yes.
Comment: Identified in an individual with developmental delay, behavioral issues, sleep disturbance, and distinctive facial features in the published literature, however, familial segregation studies were not completed (PMID: 38387458); Not observed at significant frequency in large population cohorts (gnomAD); In silico analysis suggests this variant may impact gene splicing. In the absence of RNA/functional studies, the actual effect of this sequence change is unknown.; This variant is associated with the following publications: (PMID: 38387458)